The following is an entry in ClinVar:

ClinVar aggregate classification (germline): Likely pathogenic (1 of 4 stars; one submission).

Conditions:
Perlman syndrome (PRLMNS). Identifiers: Orphanet 2849, MedGen C0796113, MONDO:0009965, OMIM 267000.

Submission:

Labcorp Genetics (formerly Invitae), Labcorp
Classification: Likely pathogenic for Perlman syndrome. Last evaluated: 2023-05-26. Review status: criteria provided, single submitter. Criteria: Invitae Variant Classification Sherloc (09022015). Collection method: clinical testing. Allele origin: germline.
Comment: In summary, the currently available evidence indicates that the variant is pathogenic, but additional data are needed to prove that conclusively. Therefore, this variant has been classified as Likely Pathogenic. Algorithms developed to predict the effect of sequence changes on RNA splicing suggest that this variant may disrupt the consensus splice site. This variant has not been reported in the literature in individuals affected with DIS3L2-related conditions. This variant is not present in population databases (gnomAD no frequency). This sequence change affects an acceptor splice site in intron 11 of the DIS3L2 gene. It is expected to disrupt RNA splicing. Variants that disrupt the donor or acceptor splice site typically lead to a loss of protein function (PMID: 16199547), and loss-of-function variants in DIS3L2 are known to be pathogenic (PMID: 22306653, 28328139).

Literature cited by the submitters: PubMed 16199547; PubMed 22306653; PubMed 28328139.

NM_152383.5(DIS3L2):c.1318-1G>A

Gene: DIS3L2 (DIS3 like 3'-5' exoribonuclease 2; plus strand). Cytogenetic location: 2q37.1.
Variant type: single nucleotide variant.
Coding change: c.1318-1G>A on transcript NM_152383.5 (MANE Select); the canonical splice acceptor site of the intron before coding-DNA position 1318, G replaced by A.
Molecular consequence: splice acceptor variant.
Genome position (GRCh38, 1-based): chr2:232,249,238, G>A. VCF-style: chr2-232249238-G-A. GRCh37 (hg19) VCF-style: chr2-233113948-G-A.
Other names: c.1318-1G>A (NM_001257281.2).
Identifiers: ClinVar variation 2725668 (VCV002725668.3), dbSNP rs2470049244, ClinGen allele CA351155351.